The following is an entry in ClinVar:

NM_173628.4(DNAH17):c.10818G>A (p.Ala3606=)

Gene: DNAH17 (dynein axonemal heavy chain 17; minus strand). Cytogenetic location: 17q25.3.
Variant type: single nucleotide variant.
Coding change: c.10818G>A on transcript NM_173628.4 (MANE Select); coding-DNA position 10818, G replaced by A.
Protein change: p.Ala3606=; no amino-acid change (alanine 3606 retained).
Molecular consequence: synonymous variant.
Genome position (GRCh38, 1-based): chr17:78,450,763, C>T on the plus strand (G>A on the coding strand, the complement: DNAH17 is on the minus strand). VCF-style: chr17-78450763-C-T. GRCh37 (hg19) VCF-style: chr17-76446845-C-T.
Identifiers: ClinVar variation 2648353 (VCV002648353.24), dbSNP rs752234901, ClinGen allele CA8800700.

ClinVar aggregate classification (germline): Likely benign (1 of 4 stars; one submission).

Allele frequency attached by ClinVar (database versions not stated): gnomAD 0.00004; ExAC 0.00007.

Submission:

CeGaT Center for Human Genetics Tuebingen
Classification: Likely benign. Last evaluated: 2022-07-01. Review status: criteria provided, single submitter. Criteria: CeGaT Center For Human Genetics Tuebingen Variant Classification Criteria Version 2. Collection method: clinical testing. Allele origin: germline. Affected: yes. Observed: 1 variant allele.
Comment: DNAH17: BP4, BP7